The following is an entry in ClinVar:

ClinVar aggregate classification (germline): Uncertain significance (1 of 4 stars; one submission).

Submission:

Labcorp Genetics (formerly Invitae), Labcorp
Classification: Uncertain significance. Last evaluated: 2025-04-14. Review status: criteria provided, single submitter. Criteria: Invitae Variant Classification Sherloc (09022015). Collection method: clinical testing. Allele origin: germline.
Comment: This sequence change replaces isoleucine, which is neutral and non-polar, with threonine, which is neutral and polar, at codon 756 of the TFRC protein (p.Ile756Thr). This variant is not present in population databases (gnomAD no frequency). This variant has not been reported in the literature in individuals affected with TFRC-related conditions. An algorithm developed to predict the effect of missense changes on protein structure and function (PolyPhen-2) suggests that this variant is likely to be tolerated. In summary, the available evidence is currently insufficient to determine the role of this variant in disease. Therefore, it has been classified as a Variant of Uncertain Significance.

NM_001128148.3(TFRC):c.2267T>C (p.Ile756Thr)

Gene: TFRC (transferrin receptor; minus strand). Cytogenetic location: 3q29.
Variant type: single nucleotide variant.
Coding change: c.2267T>C on transcript NM_001128148.3 (MANE Select); coding-DNA position 2267, T replaced by C.
Protein change: p.Ile756Thr; replaces isoleucine 756 with threonine.
Molecular consequence: missense variant.
Genome position (GRCh38, 1-based): chr3:196,051,958, A>G on the plus strand (T>C on the coding strand, the complement: TFRC is on the minus strand). VCF-style: chr3-196051958-A-G. GRCh37 (hg19) VCF-style: chr3-195778829-A-G.
Other names: c.2024T>C, p.Ile675Thr (NM_001313965.2); c.1421T>C, p.Ile474Thr (NM_001313966.2); c.2267T>C, p.Ile756Thr (NM_003234.4); short protein forms I474T, I675T, I756T.
Identifiers: ClinVar variation 4716967 (VCV004716967.1).